The following is an entry in ClinVar:

NM_003002.4(SDHD):c.10dup (p.Leu4fs)

Genes: SDHD (succinate dehydrogenase complex subunit D; plus strand), LOC126861339 (BRD4-independent group 4 enhancer GRCh37_chr11:111957035-111958234; plus strand). Cytogenetic location: 11q23.1.
Variant type: Duplication.
Coding change: c.10dup on transcript NM_003002.4 (MANE Select); coding-DNA position 10, one base duplicated (C; older notation c.10dupC).
Protein change: p.Leu4fs; shifts the reading frame from leucine 4.
Molecular consequence: frameshift variant. On other transcripts: non-coding transcript variant (1).
Genome position (GRCh38, 1-based): chr11:112,086,917, C duplicated. VCF-style (leftmost placement, unchanged base first): chr11-112086916-T-TC. GRCh37 (hg19) VCF-style: chr11-111957640-T-TC.
Other names: c.10dup, p.Leu4fs (NM_001276503.2, NM_001276504.2, NM_001276506.2); short protein forms L4fs.
Identifiers: ClinVar variation 239460 (VCV000239460.9), dbSNP rs878854589, ClinGen allele CA10582865.
Genomic context (GRCh38, chr11:112,086,916, plus strand): 5'-GTCGCCTAAGTGGTTCCGGGTTGGTGGATGACCTTGAGCCCTCAGGAACGAGATGGCGGT[T>TC]CTCTGGAGGCTGAGTGCCGTTTGCGGTGCCCTAGGAGGCCGAGGTGAGGGGTCTTCCCAC-3'

ClinVar aggregate classification (germline): Pathogenic. Review status: criteria provided, single submitter (1 of 4 stars). 2 submissions from 1 submitter: Pathogenic (2). Last evaluated 2016-01-01.

Conditions:
Paragangliomas with sensorineural hearing loss. Identifiers: MedGen C1868633.
Pheochromocytoma. Also called: MAX-Related Hereditary Paraganglioma-Pheochromocytoma Syndrome. Identifiers: Orphanet 29072, MedGen C0031511, MONDO:0008233, OMIM 171300, HP:0002666.
Carney-Stratakis syndrome. Also called: PARAGANGLIOMA AND GASTROINTESTINAL STROMAL TUMOR. Identifiers: Orphanet 97286, MedGen C1847319, MONDO:0011740, OMIM 606864.
Cowden syndrome 3 (CWS3). Identifiers: Orphanet 201, MedGen CN166604, MONDO:0014045.
Pheochromocytoma/paraganglioma syndrome 1. Also called: Paragangliomas 1; Glomus tumors familial 1; Paraganglioma - glomus jugulare; PARAGANGLIOMAS, FAMILIAL NONCHROMAFFIN, 1; PGL 1; Paragangliomas familial 1. Identifiers: Orphanet 29072, MedGen C3494181, MONDO:0008192, OMIM 168000.

Submissions (2):

Labcorp Genetics (formerly Invitae), Labcorp
Classification: Pathogenic for Carney-Stratakis syndrome; Paragangliomas with sensorineural hearing loss; Pheochromocytoma. Last evaluated: 2016-01-01. Review status: criteria provided, single submitter. Criteria: Invitae Variant Classification Sherloc (09022015). Collection method: clinical testing. Allele origin: germline.
Comment: This sequence change inserts 1 nucleotide in exon 1 of the SDHD mRNA (c.10dupC), causing a frameshift at codon 4. This creates a premature translational stop signal (p.Leu4Profs*65) and is expected to result in an absent or disrupted protein product. While this particular variant has not been reported in the literature, truncating variants in SDHD are known to be pathogenic (PMID: 19802898, 19454582). For these reasons, this variant has been classified as Pathogenic.

Labcorp Genetics (formerly Invitae), Labcorp
Classification: Pathogenic for Carney-Stratakis syndrome; Paragangliomas with sensorineural hearing loss; Pheochromocytoma; Cowden syndrome 3. Last evaluated: 2016-01-01. Review status: criteria provided, single submitter. Criteria: Invitae Variant Classification Sherloc (09022015). Collection method: clinical testing. Allele origin: germline.
Comment: the same text as in the submission from Labcorp Genetics (formerly Invitae), Labcorp above.

Literature cited by the submitters: PubMed 19802898; PubMed 19454582.